The following is an entry in ClinVar:

ClinVar aggregate classification (germline): Uncertain significance (1 of 4 stars; one submission).

gnomAD v4.1: 1 of 1,614,120 alleles (0.000062%); no homozygotes.

Submission:

Labcorp Genetics (formerly Invitae), Labcorp
Classification: Uncertain significance. Last evaluated: 2021-09-02. Review status: criteria provided, single submitter. Criteria: Invitae Variant Classification Sherloc (09022015). Collection method: clinical testing. Allele origin: germline.
Comment: This sequence change replaces glutamine with glutamic acid at codon 4371 of the USH2A protein (p.Gln4371Glu). The glutamine residue is highly conserved and there is a small physicochemical difference between glutamine and glutamic acid. This variant is not present in population databases (ExAC no frequency). This variant has not been reported in the literature in individuals affected with USH2A-related conditions. Algorithms developed to predict the effect of missense changes on protein structure and function are either unavailable or do not agree on the potential impact of this missense change (SIFT: "Deleterious"; PolyPhen-2: "Benign"; Align-GVGD: "Class C25"). In summary, the available evidence is currently insufficient to determine the role of this variant in disease. Therefore, it has been classified as a Variant of Uncertain Significance.

NM_206933.4(USH2A):c.13111C>G (p.Gln4371Glu)

Gene: USH2A (usherin; minus strand). Cytogenetic location: 1q41.
Variant type: single nucleotide variant.
Coding change: c.13111C>G on transcript NM_206933.4 (MANE Select); coding-DNA position 13111, C replaced by G.
Protein change: p.Gln4371Glu; replaces glutamine 4371 with glutamic acid.
Molecular consequence: missense variant.
Genome position (GRCh38, 1-based): chr1:215,674,800, G>C on the plus strand (C>G on the coding strand, the complement: USH2A is on the minus strand). VCF-style: chr1-215674800-G-C. GRCh37 (hg19) VCF-style: chr1-215848142-G-C.
Other names: short protein forms Q4371E.
Identifiers: ClinVar variation 1347717 (VCV001347717.5), dbSNP rs2102665798, ClinGen allele CA344846554.
Genomic context (GRCh38, chr1:215,674,800, plus strand): 5'-CTAAATATTTAGTAATCTTTCCATTTTGCACTGTGGGCGGTGACCAACATACATTCATTT[G>C]AGTGGCACTGACGGCCCAAAGATCTGGAGGGCTGACTTCTGATGGAGCAGCCTCCAGAGT-3'
Protein context (NP_996816.3, residues 4361-4381): PPDLWAVSAT[Gln4371Glu]MNVCWSPPTV